The following is an entry in ClinVar:

NM_006531.5(IFT88):c.1573+1G>A

Gene: IFT88 (intraflagellar transport 88; plus strand). Cytogenetic location: 13q12.11.
Variant type: single nucleotide variant.
Coding change: c.1573+1G>A on transcript NM_006531.5 (MANE Select); the canonical splice donor site of the intron after coding-DNA position 1573, G replaced by A.
Molecular consequence: splice donor variant.
Genome position (GRCh38, 1-based): chr13:20,638,519, G>A. VCF-style: chr13-20638519-G-A. GRCh37 (hg19) VCF-style: chr13-21212658-G-A.
Other names: c.1600+1G>A (NM_001318493.2, NM_175605.5, NM_001353566.2 and 2 more transcripts); c.1573+1G>A (NM_001353568.2, NM_001353572.2); c.1498+1G>A (NM_001353570.2, NM_001353576.2, NM_001353577.2 and 1 more transcripts); c.1471+1G>A (NM_001353571.2, NM_001353578.2); c.940+1G>A (NM_001353579.2); c.1516+1G>A (NM_001353575.2, NM_001318491.2); c.1429+1G>A (NM_001353573.2); c.1414+1G>A (NM_001353574.2).
Identifiers: ClinVar variation 4699292 (VCV004699292.1).
Genomic context (GRCh38, chr13:20,638,519, plus strand): 5'-AATTCTATAAAGAGGCTCTAAGAAATGATTCTTCTTGTACTGAAGCACTTTATAATATTG[G>A]TAAGTGAAACAAGGGGAAATTGCTTTTTAAATTATTTATTTGCTTTGTATTTGTTTTTGT-3'

ClinVar aggregate classification (germline): Uncertain significance (1 of 4 stars; one submission).

Submission:

Labcorp Genetics (formerly Invitae), Labcorp
Classification: Uncertain significance. Last evaluated: 2025-03-31. Review status: criteria provided, single submitter. Criteria: Invitae Variant Classification Sherloc (09022015). Collection method: clinical testing. Allele origin: germline.
Comment: This sequence change affects a donor splice site in intron 19 of the IFT88 gene. It is expected to disrupt RNA splicing. Variants that disrupt the donor or acceptor splice site typically lead to a loss of protein function (PMID: 16199547), however the current clinical and genetic evidence is not sufficient to establish whether loss-of-function variants in IFT88 cause disease. This variant is not present in population databases (gnomAD no frequency). This variant has not been reported in the literature in individuals affected with IFT88-related conditions. Algorithms developed to predict the effect of sequence changes on RNA splicing suggest that this variant may disrupt the consensus splice site. In summary, the available evidence is currently insufficient to determine the role of this variant in disease. Therefore, it has been classified as a Variant of Uncertain Significance.

Literature cited by the submitters: PubMed 16199547.